The following is an entry in ClinVar:

ClinVar aggregate classification (germline): Uncertain significance (1 of 4 stars; one submission).

Submission:

Labcorp Genetics (formerly Invitae), Labcorp
Classification: Uncertain significance. Last evaluated: 2022-09-02. Review status: criteria provided, single submitter. Criteria: Invitae Variant Classification Sherloc (09022015). Collection method: clinical testing. Allele origin: germline.
Comment: In summary, the available evidence is currently insufficient to determine the role of this variant in disease. Therefore, it has been classified as a Variant of Uncertain Significance. This sequence change replaces asparagine, which is neutral and polar, with serine, which is neutral and polar, at codon 2816 of the BPTF protein (p.Asn2816Ser). This variant is not present in population databases (gnomAD no frequency). This variant has not been reported in the literature in individuals affected with BPTF-related conditions. Algorithms developed to predict the effect of missense changes on protein structure and function are either unavailable or do not agree on the potential impact of this missense change (SIFT: "Tolerated"; PolyPhen-2: "Possibly Damaging"; Align-GVGD: "Class C0").

NM_182641.4(BPTF):c.8498A>G (p.Asn2833Ser)

Gene: BPTF (bromodomain PHD finger transcription factor; plus strand). Cytogenetic location: 17q24.2.
Variant type: single nucleotide variant.
Coding change: c.8498A>G on transcript NM_182641.4 (MANE Select); coding-DNA position 8498, A replaced by G.
Protein change: p.Asn2833Ser; replaces asparagine 2833 with serine.
Molecular consequence: missense variant.
Genome position (GRCh38, 1-based): chr17:67,966,615, A>G. VCF-style: chr17-67966615-A-G. GRCh37 (hg19) VCF-style: chr17-65962731-A-G.
Other names: c.8447A>G, p.Asn2816Ser (NM_004459.7); short protein forms N2833S, N2816S.
Identifiers: ClinVar variation 1978582 (VCV001978582.4), dbSNP rs2513377408, ClinGen allele CA400732743.